The following is an entry in ClinVar:

ClinVar aggregate classification (germline): not provided (0 of 4 stars; one submission).

Conditions:
Familial long QT syndrome (RWS). Also called: Congenital long QT syndrome; Romano-Ward syndrome; VENTRICULAR FIBRILLATION WITH PROLONGED QT INTERVAL. Identifiers: Orphanet 768, MedGen C1141890, MONDO:0019171.

Submission:

Cardiovascular Biomedical Research Unit, Royal Brompton & Harefield NHS Foundation Trust
No classification provided. Condition: Familial long QT syndrome. Review status: no classification provided. Collection method: literature only. Allele origin: germline.
Comment: This variant has been reported as associated with Long QT syndrome in the following publications (PMID:15466642;PMID:15840476;PMID:17470695). This is a literature report, and does not necessarily reflect the clinical interpretation of the Imperial College / Royal Brompton Cardiovascular Genetics laboratory.

Literature cited by the submitters: PubMed 15466642; PubMed 15840476; PubMed 17470695; PubMed 22581653.

NM_000218.3(KCNQ1):c.832T>C (p.Tyr278His)

Gene: KCNQ1 (potassium voltage-gated channel subfamily Q member 1; plus strand). Cytogenetic location: 11p15.5.
Variant type: single nucleotide variant.
Coding change: c.832T>C on transcript NM_000218.3 (MANE Select); coding-DNA position 832, T replaced by C.
Protein change: p.Tyr278His; replaces tyrosine 278 with histidine.
Molecular consequence: missense variant.
Genome position (GRCh38, 1-based): chr11:2,572,897, T>C. VCF-style: chr11-2572897-T-C. GRCh37 (hg19) VCF-style: chr11-2594127-T-C.
Other names: c.832T>C (LRG_287t1); c.832T>C, p.Tyr278His (NM_001406836.1); c.562T>C, p.Tyr188His (NM_001406837.1); c.451T>C, p.Tyr151His (NM_181798.2); short protein forms Y278H, Y151H, Y188H.
Identifiers: ClinVar variation 67111 (VCV000067111.3), dbSNP rs199472731, ClinGen allele CA008446.